The following is an entry in ClinVar:

ClinVar aggregate classification (germline): Benign/Likely benign. Review status: criteria provided, multiple submitters, no conflicts (2 of 4 stars). 7 submissions from 7 submitters: Benign (3); Likely benign (2). 2 of the submissions do not count toward it. Last evaluated 2025-07-23.

Allele frequency attached by ClinVar (database versions not stated): gnomAD exomes 0.00068 and 0.00127; gnomAD 0.00086 and 0.00089; TOPMed 0.00097; ExAC 0.00112; ESP Exome Variant Server 0.00138.
gnomAD v4.1: 1,183 of 1,613,462 alleles (0.073%); highest among the groups gnomAD compares: Non-Finnish European, 0.026%; 11 homozygotes.

Submissions (7):

Labcorp Genetics (formerly Invitae), Labcorp
Classification: Benign. Last evaluated: 2025-07-23. Review status: criteria provided, single submitter. Criteria: Invitae Variant Classification Sherloc (09022015). Collection method: clinical testing. Allele origin: germline.

Blueprint Genetics
Classification: Likely benign. Last evaluated: 2024-10-23. Review status: criteria provided, single submitter. Criteria: ACMG Guidelines, 2015. Collection method: clinical testing. Allele origin: germline.

CeGaT Center for Human Genetics Tuebingen
Classification: Likely benign. Last evaluated: 2023-06-01. Review status: criteria provided, single submitter. Criteria: CeGaT Center For Human Genetics Tuebingen Variant Classification Criteria Version 2. Collection method: clinical testing. Allele origin: germline. Affected: yes. Observed: 2 variant alleles.
Comment: FGF8: BP4, BP7

GeneDx
Classification: Benign. Last evaluated: 2019-06-19. Review status: criteria provided, single submitter. Criteria: GeneDx Variant Classification Process June 2021. Collection method: clinical testing. Allele origin: germline. Affected: yes.

Breakthrough Genomics
Classification: Benign. Review status: criteria provided, single submitter. Criteria: ACMG Guidelines, 2015. Collection method: not provided. Allele origin: germline. Inheritance: Autosomal dominant inheritance. Affected: yes.

Clinical Genetics, Academic Medical Center
Classification: Benign. Review status: no assertion criteria provided. Collection method: clinical testing. Allele origin: germline. Affected: yes. Study: VKGL Data-share Consensus. Not counted in ClinVar's aggregate classification.

Genome Diagnostics Laboratory, University Medical Center Utrecht
Classification: Likely benign. Review status: no assertion criteria provided. Collection method: clinical testing. Allele origin: germline. Affected: yes. Study: VKGL Data-share Consensus. Not counted in ClinVar's aggregate classification.

NM_033163.5(FGF8):c.582G>A (p.Thr194=)

Gene: FGF8 (fibroblast growth factor 8; minus strand). Cytogenetic location: 10q24.32.
Variant type: single nucleotide variant.
Coding change: c.582G>A on transcript NM_033163.5 (MANE Select); coding-DNA position 582, G replaced by A.
Protein change: p.Thr194=; no amino-acid change (threonine 194 retained).
Molecular consequence: synonymous variant.
Genome position (GRCh38, 1-based): chr10:101,770,482, C>T on the plus strand (G>A on the coding strand, the complement: FGF8 is on the minus strand). VCF-style: chr10-101770482-C-T. GRCh37 (hg19) VCF-style: chr10-103530239-C-T.
Other names: c.270G>A, p.Thr90= (NM_001206389.2); c.495G>A, p.Thr165= (NM_006119.6); c.549G>A, p.Thr183= (NM_033164.4); c.462G>A, p.Thr154= (NM_033165.5).
Identifiers: ClinVar variation 695218 (VCV000695218.40), dbSNP rs147342890, ClinGen allele CA5657552.